The following is an entry in ClinVar:

NM_000439.5(PCSK1):c.380A>G (p.Asn127Ser)

Genes: CAST (calpastatin; plus strand), PCSK1 (proprotein convertase subtilisin/kexin type 1; minus strand), LOC101929710 (uncharacterized LOC101929710; plus strand). Cytogenetic location: 5q15.
Variant type: single nucleotide variant.
Coding change: c.380A>G on transcript NM_000439.5 (MANE Select); coding-DNA position 380, A replaced by G.
Protein change: p.Asn127Ser; replaces asparagine 127 with serine.
Molecular consequence: missense variant. On other transcripts: intron variant (11).
Genome position (GRCh38, 1-based): chr5:96,425,836, T>C on the plus strand (A>G on the coding strand, the complement: PCSK1 is on the minus strand). VCF-style: chr5-96425836-T-C. GRCh37 (hg19) VCF-style: chr5-95761540-T-C.
Other names: c.-175+46184T>C (NM_001423257.1, NM_001423260.1, NM_001423254.1 and 6 more transcripts); c.239A>G, p.Asn80Ser (NM_001177875.2); c.-103+46184T>C (NM_001423253.1); c.-40+46184T>C (NM_001423258.1); short protein forms N127S, N80S.
Identifiers: ClinVar variation 4989185 (VCV004989185.1).

ClinVar aggregate classification (germline): Uncertain significance (1 of 4 stars; one submission).

Conditions:
PCSK1-related disorder. Also called: PCSK1-related condition.

Submission:

PreventionGenetics, part of Exact Sciences
Classification: Uncertain significance for PCSK1-related condition. Last evaluated: 2025-09-04. Review status: criteria provided, single submitter. Criteria: ACMG Guidelines, 2015. Collection method: clinical testing. Allele origin: germline.
Comment: The PCSK1 c.380A>G variant is predicted to result in the amino acid substitution p.Asn127Ser. To our knowledge, this variant has not been reported in the literature or in a large population database (gnomAD), indicating this variant is rare. At this time, the clinical significance of this variant is uncertain due to the absence of conclusive functional and genetic evidence.